The following is an entry in ClinVar:

ClinVar aggregate classification (germline): Likely benign. Review status: criteria provided, multiple submitters, no conflicts (2 of 4 stars). 4 submissions from 4 submitters: Likely benign (4). Last evaluated 2025-12-09.

Conditions:
PLEKHG5-related disorder. Also called: PLEKHG5-related condition.
Neuronopathy, distal hereditary motor, autosomal recessive 4. Also called: NEUROPATHY, DISTAL HEREDITARY MOTOR, AUTOSOMAL RECESSIVE 4; Autosomal recessive lower motor neuron disease with childhood onset. Identifiers: Orphanet 206580, MedGen C1970211, MONDO:0012608, OMIM 611067.
Charcot-Marie-Tooth disease recessive intermediate C. Also called: CHARCOT-MARIE-TOOTH NEUROPATHY, RECESSIVE INTERMEDIATE C. Identifiers: Orphanet 369867, MedGen C3809309, MONDO:0014154, OMIM 615376.

Allele frequency attached by ClinVar (database versions not stated): TOPMed 0.00003; ExAC 0.00004; gnomAD 0.00004 and 0.00007; gnomAD exomes 0.00004; 1000 Genomes Project 30x 0.00016; 1000 Genomes Project 0.00020.
gnomAD v4.1: 33 of 1,590,958 alleles (0.0021%); highest among the groups gnomAD compares: South Asian, 0.017%; no homozygotes.

Submissions (4):

PreventionGenetics, part of Exact Sciences
Classification: Likely benign for PLEKHG5-related condition. Last evaluated: 2025-12-09. Review status: criteria provided, single submitter. Criteria: ACMG Guidelines, 2015. Collection method: clinical testing. Allele origin: germline.
Comment: This variant is classified as likely benign based on ACMG/AMP sequence variant interpretation guidelines (Richards et al. 2015 PMID: 25741868, with internal and published modifications).

Labcorp Genetics (formerly Invitae), Labcorp
Classification: Likely benign for Neuronopathy, distal hereditary motor, autosomal recessive 4; Charcot-Marie-Tooth disease recessive intermediate C. Last evaluated: 2025-08-26. Review status: criteria provided, single submitter. Criteria: Invitae Variant Classification Sherloc (09022015). Collection method: clinical testing. Allele origin: germline.

Women's Health and Genetics/Laboratory Corporation of America, LabCorp
Classification: Likely benign. Last evaluated: 2025-03-03. Review status: criteria provided, single submitter. Criteria: LabCorp Variant Classification Summary - May 2015. Collection method: clinical testing. Allele origin: germline.

Laboratory of Genetics, Children's Clinical University Hospital Latvia
Classification: Likely benign. Last evaluated: 2025-02-16. Review status: criteria provided, single submitter. Criteria: ACMG Guidelines, 2015. Collection method: clinical testing. Allele origin: germline. Affected: yes.

NM_020631.6(PLEKHG5):c.531C>T (p.Thr177=)

Gene: PLEKHG5 (pleckstrin homology and RhoGEF domain containing G5; minus strand). Cytogenetic location: 1p36.31.
Variant type: single nucleotide variant.
Coding change: c.531C>T on transcript NM_020631.6 (MANE Select); coding-DNA position 531, C replaced by T.
Protein change: p.Thr177=; no amino-acid change (threonine 177 retained).
Molecular consequence: synonymous variant.
Genome position (GRCh38, 1-based): chr1:6,474,073, G>A on the plus strand (C>T on the coding strand, the complement: PLEKHG5 is on the minus strand). VCF-style: chr1-6474073-G-A. GRCh37 (hg19) VCF-style: chr1-6534133-G-A.
Other names: c.642C>T, p.Thr214= (NM_001042663.3, NM_001265592.2); c.531C>T, p.Thr177= (NM_001042664.2, NM_001042665.2, NM_001265594.3 and 1 more transcripts); c.738C>T, p.Thr246= (NM_001265593.2); c.531C>T (NM_020631.4).
Identifiers: ClinVar variation 1592769 (VCV001592769.11), dbSNP rs567059799, ClinGen allele CA561822.